The following is an entry in ClinVar:

ClinVar aggregate classification (germline): Uncertain significance (1 of 4 stars; one submission).

Conditions:
Ullrich congenital muscular dystrophy 2 (UCMD2). Identifiers: Orphanet 75840, MedGen C4225314, MONDO:0014654, OMIM 616470.
Bethlem myopathy 2 (BTHLM2). Identifiers: Orphanet 536516, Orphanet 610, MedGen C4225313, MONDO:0034022, OMIM 616471.

Submission:

Labcorp Genetics (formerly Invitae), Labcorp
Classification: Uncertain significance for Bethlem myopathy 2; Ullrich congenital muscular dystrophy 2. Last evaluated: 2023-09-08. Review status: criteria provided, single submitter. Criteria: Invitae Variant Classification Sherloc (09022015). Collection method: clinical testing. Allele origin: germline.
Comment: This sequence change replaces asparagine, which is neutral and polar, with threonine, which is neutral and polar, at codon 518 of the COL12A1 protein (p.Asn518Thr). This variant is not present in population databases (gnomAD no frequency). This variant has not been reported in the literature in individuals affected with COL12A1-related conditions. Advanced modeling of protein sequence and biophysical properties (such as structural, functional, and spatial information, amino acid conservation, physicochemical variation, residue mobility, and thermodynamic stability) has been performed at Invitae for this missense variant, however the output from this modeling did not meet the statistical confidence thresholds required to predict the impact of this variant on COL12A1 protein function. In summary, the available evidence is currently insufficient to determine the role of this variant in disease. Therefore, it has been classified as a Variant of Uncertain Significance.

NM_004370.6(COL12A1):c.1553A>C (p.Asn518Thr)

Gene: COL12A1 (collagen type XII alpha 1 chain; minus strand). Cytogenetic location: 6q13.
Variant type: single nucleotide variant.
Coding change: c.1553A>C on transcript NM_004370.6 (MANE Select); coding-DNA position 1553, A replaced by C.
Protein change: p.Asn518Thr; replaces asparagine 518 with threonine.
Molecular consequence: missense variant. On other transcripts: intron variant (2).
Genome position (GRCh38, 1-based): chr6:75,183,388, T>G on the plus strand (A>C on the coding strand, the complement: COL12A1 is on the minus strand). VCF-style: chr6-75183388-T-G. GRCh37 (hg19) VCF-style: chr6-75893104-T-G.
Other names: c.1553A>C, p.Asn518Thr (NM_001424113.1, NM_001424114.1, NM_001424115.1); c.73+19332A>C (NM_001424116.1, NM_080645.3); short protein forms N518T.
Identifiers: ClinVar variation 2938166 (VCV002938166.3), dbSNP rs776381520, ClinGen allele CA364769686.
Genomic context (GRCh38, chr6:75,183,388, plus strand): 5'-CTTGATCCCTTGCTAGGCACAAATATTTTCTCTCTGACATAAGTCATTGCTTTGCCAGTA[T>G]TTGTAGATCCTCCTCTGTAAGGGAAGGTGTTTATTGCTTCAATTATATCTTCAACTTTGG-3'
Protein context (NP_004361.3, residues 508-528): NTFPYRGGST[Asn518Thr]TGKAMTYVRE